The following is an entry in ClinVar:

NM_152296.5(ATP1A3):c.2417T>G (p.Met806Arg)

Gene: ATP1A3 (ATPase Na+/K+ transporting subunit alpha 3; minus strand). Cytogenetic location: 19q13.2.
Variant type: single nucleotide variant.
Coding change: c.2417T>G on transcript NM_152296.5 (MANE Select); coding-DNA position 2417, T replaced by G.
Protein change: p.Met806Arg; replaces methionine 806 with arginine.
Molecular consequence: missense variant.
Genome position (GRCh38, 1-based): chr19:41,970,389, A>C on the plus strand (T>G on the coding strand, the complement: ATP1A3 is on the minus strand). VCF-style: chr19-41970389-A-C. GRCh37 (hg19) VCF-style: chr19-42474541-A-C.
Other names: c.2450T>G, p.Met817Arg (NM_001256213.2); c.2456T>G, p.Met819Arg (NM_001256214.2); short protein forms M806R, M819R, M817R.
Identifiers: ClinVar variation 161142 (VCV000161142.10), dbSNP rs549006436, ClinGen allele CA346027.
Genomic context (GRCh38, chr19:41,970,389, plus strand): 5'-GAGCCGGAGAGGGGAGGACTCCACCCTCCTGGGCCCCAAGGGTGGCTGCCAGGGCTCACC[A>C]TGTCAGTGCCCAGATCGATGCAGAGGATGGTGATGGTGCCCAGGGGCAGCGGGATGTTGG-3'
Protein context (NP_689509.1, residues 796-816): TILCIDLGTD[Met806Arg]VPAISLAYEA

ClinVar aggregate classification (germline): Likely pathogenic (1 of 4 stars; one submission).

Conditions:
Dystonia 12 (DYT12). Also called: DYT-ATP1A3; Rapid-Onset Dystonia-Parkinsonism (RDP). Identifiers: Orphanet 71517, MedGen C1868681, MONDO:0007496, OMIM 128235.

Submission:

Labcorp Genetics (formerly Invitae), Labcorp
Classification: Likely pathogenic for Dystonia 12. Last evaluated: 2017-11-08. Review status: criteria provided, single submitter. Criteria: Invitae Variant Classification Sherloc (09022015). Collection method: clinical testing. Allele origin: germline.
Comment: In summary, the currently available evidence indicates that the variant is pathogenic, but additional data are needed to prove that conclusively. Therefore, this variant has been classified as Likely Pathogenic. This missense change is located in a region of the ATP1A3 protein where a significant number of previously reported ATP1A3 missense mutations are found (PMID: 24523486). These observations suggest that a previously unreported missense substitution within this region may affect protein function, but experiments have not been done to test this possibility. Algorithms developed to predict the effect of sequence changes on RNA splicing suggest that this variant may create or strengthen a splice site, but this prediction has not been confirmed by published transcriptional studies. Algorithms developed to predict the effect of missense changes on protein structure and function do not agree on the potential impact of this missense change (SIFT: "Deleterious"; PolyPhen-2: "Benign"; Align-GVGD: "Class C0"). This variant has been reported in several individuals affected with alternating hemiplegia of childhood (PMID: 22842232, 26410222). ClinVar contains an entry for this variant (Variation ID: 161142). This variant is not present in population databases (ExAC no frequency). This sequence change replaces methionine with arginine at codon 806 of the ATP1A3 protein (p.Met806Arg). The methionine residue is moderately conserved and there is a moderate physicochemical difference between methionine and arginine.

Literature cited by the submitters: PubMed 24523486; PubMed 22842232; PubMed 26410222.